The following is an entry in ClinVar:

ClinVar aggregate classification (germline): Likely pathogenic (1 of 4 stars; one submission).

Submission:

Greenwood Genetic Center Diagnostic Laboratories, Greenwood Genetic Center
Classification: Likely pathogenic. Last evaluated: 2021-01-10. Review status: criteria provided, single submitter. Criteria: ACMG Guidelines, 2015. Collection method: clinical testing. Allele origin: germline. Affected: yes.
Comment: PVS1, PM2

NM_001162501.2(TNRC6B):c.4974+2T>C

Gene: TNRC6B (trinucleotide repeat containing adaptor 6B; plus strand). Cytogenetic location: 22q13.1.
Variant type: single nucleotide variant.
Coding change: c.4974+2T>C on transcript NM_001162501.2 (MANE Select); the canonical splice donor site of the intron after coding-DNA position 4974, T replaced by C.
Molecular consequence: splice donor variant.
Genome position (GRCh38, 1-based): chr22:40,316,014, T>C. VCF-style: chr22-40316014-T-C. GRCh37 (hg19) VCF-style: chr22-40712018-T-C.
Other names: c.2562+2T>C (NM_001024843.2); c.4644+2T>C (NM_015088.3).
Identifiers: ClinVar variation 1331636 (VCV001331636.4), dbSNP rs2146570387, ClinGen allele CA411670981.